The following is an entry in ClinVar:

NM_012073.5(CCT5):c.602G>A (p.Arg201Gln)

Gene: CCT5 (chaperonin containing TCP1 subunit 5; plus strand). Cytogenetic location: 5p15.2.
Variant type: single nucleotide variant.
Coding change: c.602G>A on transcript NM_012073.5 (MANE Select); coding-DNA position 602, G replaced by A.
Protein change: p.Arg201Gln; replaces arginine 201 with glutamine.
Molecular consequence: missense variant.
Genome position (GRCh38, 1-based): chr5:10,258,182, G>A. VCF-style: chr5-10258182-G-A. GRCh37 (hg19) VCF-style: chr5-10258294-G-A.
Other names: c.539G>A, p.Arg180Gln (NM_001306153.1); c.437G>A, p.Arg146Gln (NM_001306154.2); c.323G>A, p.Arg108Gln (NM_001306155.2); c.488G>A, p.Arg163Gln (NM_001306156.2); short protein forms R201Q, R146Q, R108Q, R163Q, R180Q.
Identifiers: ClinVar variation 665323 (VCV000665323.10), dbSNP rs1579451817, ClinGen allele CA359182374.
Genomic context (GRCh38, chr5:10,258,182, plus strand): 5'-GTCACCGACAGATGGCTGAGATTGCTGTGAATGCCGTCCTCACTGTAGCAGATATGGAGC[G>A]GAGAGACGTTGACTTTGAGCTTATCAAAGTAGAAGGCAAAGTGGGCGGCAGGCTGGAGGA-3'
Protein context (NP_036205.1, residues 191-211): NAVLTVADME[Arg201Gln]RDVDFELIKV

ClinVar aggregate classification (germline): Uncertain significance (1 of 4 stars; one submission).

Conditions:
Hereditary sensory and autonomic neuropathy with spastic paraplegia (HSNSP). Identifiers: Orphanet 139578, MedGen C1850395, MONDO:0009748, OMIM 256840.

Allele frequency attached by ClinVar (database versions not stated): gnomAD exomes below 0.00001.

Submission:

Labcorp Genetics (formerly Invitae), Labcorp
Classification: Uncertain significance for Hereditary sensory and autonomic neuropathy with spastic paraplegia. Last evaluated: 2019-07-03. Review status: criteria provided, single submitter. Criteria: Invitae Variant Classification Sherloc (09022015). Collection method: clinical testing. Allele origin: germline.
Comment: This sequence change replaces arginine with glutamine at codon 201 of the CCT5 protein (p.Arg201Gln). The arginine residue is highly conserved and there is a small physicochemical difference between arginine and glutamine. This variant is not present in population databases (ExAC no frequency). This variant has not been reported in the literature in individuals with CCT5-related disease. Algorithms developed to predict the effect of missense changes on protein structure and function are either unavailable or do not agree on the potential impact of this missense change (SIFT: "Tolerated"; PolyPhen-2: "Benign"; Align-GVGD: "Class C0"). In summary, the available evidence is currently insufficient to determine the role of this variant in disease. Therefore, it has been classified as a Variant of Uncertain Significance.